The following is an entry in ClinVar:

NM_002635.4(SLC25A3):c.358A>G (p.Lys120Glu)

Gene: SLC25A3 (solute carrier family 25 member 3; plus strand). Cytogenetic location: 12q23.1.
Variant type: single nucleotide variant.
Coding change: c.358A>G on transcript NM_002635.4 (MANE Select); coding-DNA position 358, A replaced by G.
Protein change: p.Lys120Glu; replaces lysine 120 with glutamic acid.
Molecular consequence: missense variant.
Genome position (GRCh38, 1-based): chr12:98,597,934, A>G. VCF-style: chr12-98597934-A-G. GRCh37 (hg19) VCF-style: chr12-98991712-A-G.
Other names: c.361A>G, p.Lys121Glu (NM_005888.4); c.358A>G, p.Lys120Glu (NM_213611.3); short protein forms K120E, K121E.
Identifiers: ClinVar variation 3360198 (VCV003360198.1).

ClinVar aggregate classification (germline): Uncertain significance (1 of 4 stars; one submission).

Submission:

GeneDx
Classification: Uncertain significance. Last evaluated: 2023-06-22. Review status: criteria provided, single submitter. Criteria: GeneDx Variant Classification Process June 2021. Collection method: clinical testing. Allele origin: germline. Affected: yes.
Comment: Not observed at significant frequency in large population cohorts (gnomAD); In silico analysis supports that this missense variant has a deleterious effect on protein structure/function; Has not been previously published as pathogenic or benign to our knowledge